The following is an entry in ClinVar:

ClinVar aggregate classification (germline): Pathogenic/Likely pathogenic. Review status: criteria provided, multiple submitters, no conflicts (2 of 4 stars). 2 submissions from 2 submitters: Pathogenic (1); Likely pathogenic (1). Last evaluated 2025-08-04.

Conditions:
Obesity due to leptin receptor gene deficiency. Identifiers: Orphanet 179494, MedGen C3554225, MONDO:0013992, OMIM 614963.

Submissions (2):

Labcorp Genetics (formerly Invitae), Labcorp
Classification: Pathogenic. Last evaluated: 2025-08-04. Review status: criteria provided, single submitter. Criteria: Invitae Variant Classification Sherloc (09022015). Collection method: clinical testing. Allele origin: germline.
Comment: This sequence change creates a premature translational stop signal (p.Tyr46*) in the LEPR gene. It is expected to result in an absent or disrupted protein product. Loss-of-function variants in LEPR are known to be pathogenic (PMID: 23616257, 24319006, 25751111). This variant is present in population databases (rs757358893, gnomAD 0.003%). This variant has not been reported in the literature in individuals affected with LEPR-related conditions. ClinVar contains an entry for this variant (Variation ID: 1679174). For these reasons, this variant has been classified as Pathogenic.

Institute of Human Genetics, University of Leipzig Medical Center
Classification: Likely pathogenic for Obesity due to leptin receptor gene deficiency. Last evaluated: 2022-04-14. Review status: criteria provided, single submitter. Criteria: ACMG Guidelines, 2015. Collection method: clinical testing. Allele origin: unknown. Affected: yes.
Comment: This variant was identified as homozygous._x000D_ Criteria applied: PVS1, PM2_SUP

Literature cited by the submitters: PubMed 23616257 (cited by Labcorp Genetics (formerly Invitae), Labcorp); PubMed 24319006 (cited by Labcorp Genetics (formerly Invitae), Labcorp); PubMed 25751111 (cited by Labcorp Genetics (formerly Invitae), Labcorp).

NM_002303.6(LEPR):c.133_136dup (p.Tyr46Ter)

Gene: LEPR (leptin receptor; plus strand). Cytogenetic location: 1p31.3.
Variant type: Duplication.
Coding change: c.133_136dup on transcript NM_002303.6 (MANE Select); coding-DNA positions 133 to 136, 4 bases duplicated (GACT; older notation c.133_136dupGACT).
Protein change: p.Tyr46Ter; replaces tyrosine 46 with a stop codon.
Molecular consequence: nonsense.
Genome position (GRCh38, 1-based): chr1:65,570,565-65,570,568, GACT duplicated; duplicating any 4 consecutive bases within chr1:65,570,564-65,570,568 gives the same sequence; the c. name uses the placement nearest the transcript's 3' end. VCF-style (leftmost placement, unchanged base first): chr1-65570563-A-ATGAC. GRCh37 (hg19) VCF-style: chr1-66036246-A-ATGAC.
Other names: c.133_136dup, p.Tyr46Ter (NM_001003679.3, NM_001003680.3, NM_001198687.2 and 2 more transcripts); short protein forms Y46*.
Identifiers: ClinVar variation 1679174 (VCV001679174.4), dbSNP rs757358893, ClinGen allele CA894473.